The following is an entry in ClinVar:

ClinVar aggregate classification (germline): Pathogenic/Likely pathogenic. Review status: criteria provided, multiple submitters, no conflicts (2 of 4 stars). 4 submissions from 4 submitters: Pathogenic (1); Likely pathogenic (3). Last evaluated 2025-12-19.

Conditions:
FBN2-related disorders.
Congenital contractural arachnodactyly (CCA). Also called: BEALS SYNDROME; Beals-Hecht syndrome; Arthrogryposis, distal, type 9. Identifiers: Orphanet 115, MedGen C0220668, MONDO:0007363, OMIM 121050.

Submissions (4):

Labcorp Genetics (formerly Invitae), Labcorp
Classification: Pathogenic for Congenital contractural arachnodactyly. Last evaluated: 2025-12-19. Review status: criteria provided, single submitter. Criteria: Invitae Variant Classification Sherloc (09022015). Collection method: clinical testing. Allele origin: germline.
Comment: This sequence change replaces tyrosine, which is neutral and polar, with cysteine, which is neutral and slightly polar, at codon 1146 of the FBN2 protein (p.Tyr1146Cys). This variant is not present in population databases (gnomAD no frequency). This missense change has been observed in individual(s) with clinical features of FBN2-related conditions (PMID: 19006240, 33895855, 35360850; internal data). It has also been observed to segregate with disease in related individuals. ClinVar contains an entry for this variant (Variation ID: 1030504). Invitae Evidence Modeling of protein sequence and biophysical properties (such as structural, functional, and spatial information, amino acid conservation, physicochemical variation, residue mobility, and thermodynamic stability) has been performed for this missense variant. However, the output from this modeling did not meet the statistical confidence thresholds required to predict the impact of this variant on FBN2 protein function. For these reasons, this variant has been classified as Pathogenic.

CeGaT Center for Human Genetics Tuebingen
Classification: Likely pathogenic. Last evaluated: 2024-07-01. Review status: criteria provided, single submitter. Criteria: CeGaT Center For Human Genetics Tuebingen Variant Classification Criteria Version 2. Collection method: clinical testing. Allele origin: germline. Affected: yes. Observed: 1 variant allele.
Comment: FBN2: PM2, PS4:Moderate, PP3, PP4

Blueprint Genetics
Classification: Likely pathogenic for FBN2-related disorders. Last evaluated: 2024-04-08. Review status: criteria provided, single submitter. Criteria: ACMG Guidelines, 2015. Collection method: clinical testing. Allele origin: germline. Affected: yes. Observed: 1 variant allele.

Clinical Genetics Laboratory, Skane University Hospital Lund
Classification: Likely pathogenic. Last evaluated: 2022-05-27. Review status: criteria provided, single submitter. Criteria: ACMG Guidelines, 2015. Collection method: clinical testing. Allele origin: germline. Affected: yes.

Literature cited by the submitters: PubMed 19006240 (cited by Labcorp Genetics (formerly Invitae), Labcorp); PubMed 33895855 (cited by Labcorp Genetics (formerly Invitae), Labcorp); PubMed 35360850 (cited by Labcorp Genetics (formerly Invitae), Labcorp).

NM_001999.4(FBN2):c.3437A>G (p.Tyr1146Cys)

Gene: FBN2 (fibrillin 2; minus strand). Cytogenetic location: 5q23.3.
Variant type: single nucleotide variant.
Coding change: c.3437A>G on transcript NM_001999.4 (MANE Select); coding-DNA position 3437, A replaced by G.
Protein change: p.Tyr1146Cys; replaces tyrosine 1146 with cysteine.
Molecular consequence: missense variant.
Genome position (GRCh38, 1-based): chr5:128,338,968, T>C on the plus strand (A>G on the coding strand, the complement: FBN2 is on the minus strand). VCF-style: chr5-128338968-T-C. GRCh37 (hg19) VCF-style: chr5-127674660-T-C.
Other names: short protein forms Y1146C.
Identifiers: ClinVar variation 1030504 (VCV001030504.25), dbSNP rs1750918319, ClinGen allele CA360759892.